The following is an entry in ClinVar:

ClinVar aggregate classification (germline): Conflicting classifications of pathogenicity. Review status: criteria provided, conflicting classifications (1 of 4 stars). 6 submissions from 6 submitters: Uncertain significance (2); Benign (1); Likely benign (3). Last evaluated 2026-01-01.

Conditions:
Retinitis pigmentosa (RP). Identifiers: Orphanet 791, MedGen C0035334, MeSH D012174, MONDO:0019200, OMIM 268000. Inheritance: Autosomal dominant, autosomal recessive and X linked inheritance.

Allele frequency attached by ClinVar (database versions not stated): 1000 Genomes Project 30x 0.00265; 1000 Genomes Project 0.00280; TOPMed 0.00609; gnomAD 0.00629 and 0.00651; gnomAD exomes 0.00744 and 0.00875; ExAC 0.00852.
gnomAD v4.1: 13,566 of 1,602,778 alleles (0.85%); highest among the groups gnomAD compares: Non-Finnish European, 0.98%; 62 homozygotes.

Submissions (6):

CeGaT Center for Human Genetics Tuebingen
Classification: Likely benign. Last evaluated: 2026-01-01. Review status: criteria provided, single submitter. Criteria: CeGaT Center For Human Genetics Tuebingen Variant Classification Criteria Version 2. Collection method: clinical testing. Allele origin: germline. Affected: yes. Observed: 6 variant alleles.
Comment: PCARE: BP4, BS2

Blueprint Genetics
Classification: Likely benign. Last evaluated: 2024-11-25. Review status: criteria provided, single submitter. Criteria: ACMG Guidelines, 2015. Collection method: clinical testing. Allele origin: germline.

Labcorp Genetics (formerly Invitae), Labcorp
Classification: Benign. Last evaluated: 2019-12-31. Review status: criteria provided, single submitter. Criteria: Invitae Variant Classification Sherloc (09022015). Collection method: clinical testing. Allele origin: germline.

GeneDx
Classification: Likely benign. Last evaluated: 2019-01-29. Review status: criteria provided, single submitter. Criteria: GeneDx Variant Classification Process June 2021. Collection method: clinical testing. Allele origin: germline. Affected: yes.

Illumina Laboratory Services, Illumina
Classification: Uncertain significance for Retinitis pigmentosa. Last evaluated: 2018-01-13. Review status: criteria provided, single submitter. Criteria: ICSL Variant Classification Criteria 13 December 2019. Collection method: clinical testing. Allele origin: germline.

Eurofins Ntd Llc (ga)
Classification: Uncertain significance. Last evaluated: 2014-08-25. Review status: criteria provided, single submitter. Criteria: EGL Classification Definitions 2015. Collection method: clinical testing. Allele origin: germline. Observed: 3 variant alleles.

NM_001029883.3(PCARE):c.3058C>A (p.Gln1020Lys)

Gene: PCARE (photoreceptor cilium actin regulator; minus strand). Cytogenetic location: 2p23.2.
Variant type: single nucleotide variant.
Coding change: c.3058C>A on transcript NM_001029883.3 (MANE Select); coding-DNA position 3058, C replaced by A.
Protein change: p.Gln1020Lys; replaces glutamine 1020 with lysine.
Molecular consequence: missense variant.
Genome position (GRCh38, 1-based): chr2:29,071,204, G>T on the plus strand (C>A on the coding strand, the complement: PCARE is on the minus strand). VCF-style: chr2-29071204-G-T. GRCh37 (hg19) VCF-style: chr2-29294070-G-T.
Other names: short protein forms Q1020K.
Identifiers: ClinVar variation 193134 (VCV000193134.39), dbSNP rs201355503, ClinGen allele CA238639.